The following is an entry in ClinVar:

NM_000143.4(FH):c.208G>A (p.Ala70Thr)

Gene: FH (fumarate hydratase; minus strand). Cytogenetic location: 1q43.
Variant type: single nucleotide variant.
Coding change: c.208G>A on transcript NM_000143.4 (MANE Select); coding-DNA position 208, G replaced by A.
Protein change: p.Ala70Thr; replaces alanine 70 with threonine.
Molecular consequence: missense variant.
Genome position (GRCh38, 1-based): chr1:241,517,241, C>T on the plus strand (G>A on the coding strand, the complement: FH is on the minus strand). VCF-style: chr1-241517241-C-T. GRCh37 (hg19) VCF-style: chr1-241680541-C-T.
Other names: p.A70T:GCC>ACC; short protein forms A70T.
Identifiers: ClinVar variation 142062 (VCV000142062.29), dbSNP rs587782207, ClinGen allele CA167291.

ClinVar aggregate classification (germline): Conflicting classifications of pathogenicity. Review status: criteria provided, conflicting classifications (1 of 4 stars). 10 submissions from 10 submitters: Likely pathogenic (2); Uncertain significance (5); Likely benign (2). 1 of the submissions does not count toward it. Last evaluated 2026-01-25.

Conditions:
Hereditary cancer-predisposing syndrome. Also called: Tumor predisposition; Neoplastic Syndromes, Hereditary; Hereditary Cancer Syndrome; Hereditary neoplastic syndrome. Identifiers: Orphanet 140162, MedGen C0027672, MeSH D009386, MONDO:0015356.
Ovarian cancer. Also called: OVARIAN CANCER, SOMATIC. Identifiers: Orphanet 213500, MedGen C1140680, MONDO:0008170, OMIM 167000.
Hereditary leiomyomatosis and renal cell cancer. Also called: MULTIPLE CUTANEOUS AND UTERINE LEIOMYOMATA 1, WITH OR WITHOUT RENAL CELL CARCINOMA; LEIOMYOMA, MULTIPLE CUTANEOUS; Familial leiomyomatosis; Multiple cutaneous leiomyomas; FH tumor predisposition syndrome; Reed syndrome. Identifiers: Orphanet 523, MedGen C1708350, MONDO:0007888, OMIM 150800, HP:0007437. Disease mechanism: loss of function.
Fumarase deficiency (FMRD). Also called: Fumaric aciduria; Fumarate Hydratase Deficiency. Identifiers: Orphanet 24, MedGen C0342770, MONDO:0011730, OMIM 606812.

Allele frequency attached by ClinVar (database versions not stated): gnomAD 0.00001; gnomAD exomes 0.00005; TOPMed 0.00005; ExAC 0.00007.
gnomAD v4.1: 57 of 1,613,908 alleles (0.0035%); highest among the groups gnomAD compares: South Asian, 0.0077%; no homozygotes.

Submissions (11):

Labcorp Genetics (formerly Invitae), Labcorp
Classification: Uncertain significance. Last evaluated: 2026-01-25. Review status: criteria provided, single submitter. Criteria: Invitae Variant Classification Sherloc (09022015). Collection method: clinical testing. Allele origin: germline.
Comment: This sequence change replaces alanine, which is neutral and non-polar, with threonine, which is neutral and polar, at codon 70 of the FH protein (p.Ala70Thr). This variant is present in population databases (rs587782207, gnomAD 0.03%). This variant has not been reported in the literature in individuals affected with FH-related conditions. ClinVar contains an entry for this variant (Variation ID: 142062). Invitae Evidence Modeling of protein sequence and biophysical properties (such as structural, functional, and spatial information, amino acid conservation, physicochemical variation, residue mobility, and thermodynamic stability) indicates that this missense variant is expected to disrupt FH protein function with a positive predictive value of 95%. Experimental studies are conflicting or provide insufficient evidence to determine the effect of this variant on FH function (PMID: 37255402). In summary, the available evidence is currently insufficient to determine the role of this variant in disease. Therefore, it has been classified as a Variant of Uncertain Significance.

Molecular Pathology, Peter Maccallum Cancer Centre
Classification: Uncertain significance for Hereditary leiomyomatosis and renal cell cancer. Last evaluated: 2024-10-30. Review status: criteria provided, single submitter. Criteria: ACMG Guidelines, 2015. Collection method: clinical testing. Allele origin: germline. Inheritance: Autosomal dominant inheritance.

Myriad Genetics, Inc.
Classification: Likely benign for Hereditary leiomyomatosis and renal cell cancer. Last evaluated: 2024-08-12. Review status: criteria provided, single submitter. Criteria: Myriad Autosomal Dominant, Autosomal Recessive and X-Linked Classification Criteria (2023). Collection method: clinical testing. Allele origin: unknown.
Comment: This variant is considered likely benign. This variant has been observed at a population frequency that is significantly greater than expected given the associated disease prevalence and penetrance.

Baylor Genetics
Classification: Uncertain significance for Fumarase deficiency. Last evaluated: 2024-03-08. Review status: criteria provided, single submitter. Criteria: ACMG Guidelines, 2015. Collection method: clinical testing. Allele origin: unknown.

GeneDx
Classification: Uncertain significance. Last evaluated: 2023-08-07. Review status: criteria provided, single submitter. Criteria: GeneDx Variant Classification Process June 2021. Collection method: clinical testing. Allele origin: germline. Affected: yes.
Comment: In silico analysis supports that this missense variant has a deleterious effect on protein structure/function; Published functional studies suggest no damaging effect: demonstrates enzymatic activity and tetramerization similar to wild type (Wilde et al., 2023); This variant is associated with the following publications: (PMID: 28481359, 29684080, 37255402)

Ambry Genetics
Classification: Likely benign for Hereditary cancer-predisposing syndrome. Last evaluated: 2022-08-11. Review status: criteria provided, single submitter. Criteria: Ambry Variant Classification Scheme 2023. Collection method: clinical testing. Allele origin: germline.

Laboratory of Molecular Epidemiology of Birth Defects, West China Second University Hospital, Sichuan University
Classification: Likely pathogenic for Ovarian cancer. Last evaluated: 2022-01-01. Review status: criteria provided, single submitter. Criteria: ACMG Guidelines, 2015. Collection method: clinical testing. Allele origin: germline. Affected: yes.

Quest Diagnostics Nichols Institute San Juan Capistrano
Classification: Uncertain significance. Last evaluated: 2021-06-23. Review status: criteria provided, single submitter. Criteria: Quest Diagnostics criteria. Collection method: clinical testing. Allele origin: unknown.

Eurofins Ntd Llc (ga)
Classification: Likely pathogenic. Last evaluated: 2018-04-25. Review status: criteria provided, single submitter. Criteria: EGL ClinVar v180209 classification definitions. Collection method: clinical testing. Allele origin: germline. Observed: 3 variant alleles, 3 heterozygotes.

Natera, Inc.
Classification: Uncertain significance for Fumarase deficiency. Last evaluated: 2020-01-24. Review status: no assertion criteria provided. Collection method: clinical testing. Allele origin: germline. Not counted in ClinVar's aggregate classification.

Blake Wilde Laboratory, Roswell Park Comprehensive Cancer Center
No classification provided (evidence only). Condition: Hereditary leiomyomatosis and renal cell cancer. Review status: no classification provided. Collection method: in vitro. Allele origin: not applicable. Functional consequence: decreased enzyme activity. Not counted in ClinVar's aggregate classification.

Literature cited by the submitters: PubMed 37255402 (cited by Labcorp Genetics (formerly Invitae), Labcorp).